The following is an entry in ClinVar:

ClinVar aggregate classification (germline): Uncertain significance (1 of 4 stars; one submission).

Conditions:
GTP cyclohydrolase I deficiency. Identifiers: MedGen C0268467, MONDO:0100184.
Dystonia 5 (DRD). Also called: GTP Cyclohydrolase 1-Deficient Dopa-Responsive Dystonia; DYSTONIA, PROGRESSIVE, WITH DIURNAL VARIATION; DYSTONIA-PARKINSONISM WITH DIURNAL FLUCTUATION; DYT-GCH1; Dystonia, DOPA-responsive, with or without hyperphenylalaninemia. Identifiers: Orphanet 98808, MedGen C1851920, MONDO:0007495, OMIM 128230.

Submission:

Labcorp Genetics (formerly Invitae), Labcorp
Classification: Uncertain significance for GTP cyclohydrolase I deficiency; Dystonia 5. Last evaluated: 2021-03-07. Review status: criteria provided, single submitter. Criteria: Invitae Variant Classification Sherloc (09022015). Collection method: clinical testing. Allele origin: germline.
Comment: This sequence change replaces cysteine with arginine at codon 212 of the GCH1 protein (p.Cys212Arg). The cysteine residue is highly conserved and there is a large physicochemical difference between cysteine and arginine. This variant is not present in population databases (ExAC no frequency). This variant has been observed in individual(s) with dystonia (Invitae). ClinVar contains an entry for this variant (Variation ID: 947799). Advanced modeling of protein sequence and biophysical properties (such as structural, functional, and spatial information, amino acid conservation, physicochemical variation, residue mobility, and thermodynamic stability) performed at Invitae indicates that this missense variant is expected to disrupt GCH1 protein function. In summary, the available evidence is currently insufficient to determine the role of this variant in disease. Therefore, it has been classified as a Variant of Uncertain Significance.

NM_000161.3(GCH1):c.634T>C (p.Cys212Arg)

Gene: GCH1 (GTP cyclohydrolase 1; minus strand). Cytogenetic location: 14q22.2.
Variant type: single nucleotide variant.
Coding change: c.634T>C on transcript NM_000161.3 (MANE Select); coding-DNA position 634, T replaced by C.
Protein change: p.Cys212Arg; replaces cysteine 212 with arginine.
Molecular consequence: missense variant. On other transcripts: intron variant (2).
Genome position (GRCh38, 1-based): chr14:54,844,136, A>G on the plus strand (T>C on the coding strand, the complement: GCH1 is on the minus strand). VCF-style: chr14-54844136-A-G. GRCh37 (hg19) VCF-style: chr14-55310854-A-G.
Other names: c.634T>C, p.Cys212Arg (NM_001024024.2); c.627-1082T>C (NM_001024071.2); c.627-267T>C (NM_001024070.2); short protein forms C212R.
Identifiers: ClinVar variation 947799 (VCV000947799.9), dbSNP rs2039604113, ClinGen allele CA389787230.